The following is an entry in ClinVar:

ClinVar aggregate classification (germline): Likely benign. Review status: criteria provided, multiple submitters, no conflicts (2 of 4 stars). 3 submissions from 3 submitters: Likely benign (3). Last evaluated 2025-04-28.

Conditions:
Cardiomyopathy (CMYO). Also called: Cardiomyopathies. Identifiers: Orphanet 167848, MedGen C0878544, MONDO:0004994, HP:0001638. Inheritance: Various modes of inheritance.
Hypertrophic cardiomyopathy. Also called: HYPERTROPHIC MYOCARDIOPATHY. Identifiers: Orphanet 217569, MedGen C0007194, MeSH D002312, MONDO:0005045, HP:0001639.

Submissions (3):

Women's Health and Genetics/Laboratory Corporation of America, LabCorp
Classification: Likely benign. Last evaluated: 2025-04-28. Review status: criteria provided, single submitter. Criteria: LabCorp Variant Classification Summary - May 2015. Collection method: clinical testing. Allele origin: germline.

Labcorp Genetics (formerly Invitae), Labcorp
Classification: Likely benign for Hypertrophic cardiomyopathy. Last evaluated: 2024-10-30. Review status: criteria provided, single submitter. Criteria: Invitae Variant Classification Sherloc (09022015). Collection method: clinical testing. Allele origin: germline.

All of Us Research Program, National Institutes of Health
Classification: Likely benign for Cardiomyopathy. Last evaluated: 2023-08-15. Review status: criteria provided, single submitter. Criteria: ACMG Guidelines, 2015. Collection method: clinical testing. Allele origin: germline. Inheritance: Autosomal dominant inheritance. Observed: 2 variant alleles, 2 heterozygotes.
Comment: This study involves interpretation of variants in research participants for the purpose of population health screening. Participant phenotype was not available at the time of variant classification. Additional details can be found in publication PMID: 35346344, PMCID: PMC8962531

NM_000257.4(MYH7):c.2045-4A>G

Gene: MYH7 (myosin heavy chain 7; minus strand). Cytogenetic location: 14q11.2.
Variant type: single nucleotide variant.
Coding change: c.2045-4A>G on transcript NM_000257.4 (MANE Select); 4 bases into the intron before coding-DNA position 2045, A replaced by G.
Molecular consequence: intron variant.
Genome position (GRCh38, 1-based): chr14:23,426,085, T>C on the plus strand (A>G on the coding strand, the complement: MYH7 is on the minus strand). VCF-style: chr14-23426085-T-C. GRCh37 (hg19) VCF-style: chr14-23895294-T-C.
Identifiers: ClinVar variation 1093205 (VCV001093205.12), dbSNP rs2138669075, ClinGen allele CA2499222593.